The following is an entry in ClinVar:

NC_000011.9:g.(?_46722598)_(46727413_?)del

Gene: ZNF408 (zinc finger protein 408; plus strand). Cytogenetic location: 11p11.2.
Variant type: Deletion.
Identifiers: ClinVar variation 1448233 (VCV001448233.5).

ClinVar aggregate classification (germline): Uncertain significance (1 of 4 stars; one submission).

Submission:

Labcorp Genetics (formerly Invitae), Labcorp
Classification: Uncertain significance. Last evaluated: 2022-03-10. Review status: criteria provided, single submitter. Criteria: Invitae Variant Classification Sherloc (09022015). Collection method: clinical testing. Allele origin: germline.
Comment: In summary, the available evidence is currently insufficient to determine the role of this variant in disease. Therefore, it has been classified as a Variant of Uncertain Significance. This variant has not been reported in the literature in individuals affected with ZNF408-related conditions. A gross deletion of the genomic region encompassing the full coding sequence of the ZNF408 gene has been identified. The current clinical and genetic evidence is not sufficient to establish whether loss-of-function variants in ZNF408 cause disease. The boundaries of this event are unknown as they extend beyond the assayed region for this gene and therefore may encompass additional genes.